The following is an entry in ClinVar:

ClinVar aggregate classification (germline): Likely benign. Review status: criteria provided, multiple submitters, no conflicts (2 of 4 stars). 4 submissions from 4 submitters: Likely benign (3). 1 of the submissions does not count toward it. Last evaluated 2024-11-01.

Conditions:
CUX2-related disorder. Also called: CUX2-related condition.

Allele frequency attached by ClinVar (database versions not stated): gnomAD 0.00004 and 0.00005; TOPMed 0.00006; ExAC 0.00007; gnomAD exomes 0.00007.
gnomAD v4.1: 110 of 1,612,956 alleles (0.0068%); highest among the groups gnomAD compares: Middle Eastern, 0.13%; 1 homozygote.

Submissions (4):

CeGaT Center for Human Genetics Tuebingen
Classification: Likely benign. Last evaluated: 2024-11-01. Review status: criteria provided, single submitter. Criteria: CeGaT Center For Human Genetics Tuebingen Variant Classification Criteria Version 2. Collection method: clinical testing. Allele origin: germline. Affected: yes. Observed: 2 variant alleles.
Comment: CUX2: BP4, BP7

Labcorp Genetics (formerly Invitae), Labcorp
Classification: Likely benign. Last evaluated: 2018-06-13. Review status: criteria provided, single submitter. Criteria: Invitae Variant Classification Sherloc (09022015). Collection method: clinical testing. Allele origin: germline.

Breakthrough Genomics
Classification: Likely benign. Review status: criteria provided, single submitter. Criteria: ACMG Guidelines, 2015. Collection method: not provided. Allele origin: germline. Inheritance: Autosomal dominant inheritance. Affected: yes.

PreventionGenetics, part of Exact Sciences
Classification: Likely benign for CUX2-related condition. Last evaluated: 2019-03-25. Review status: no assertion criteria provided. Collection method: clinical testing. Allele origin: germline. Not counted in ClinVar's aggregate classification.
Comment: This variant is classified as likely benign based on ACMG/AMP sequence variant interpretation guidelines (Richards et al. 2015 PMID: 25741868, with internal and published modifications).

NM_015267.4(CUX2):c.3441G>A (p.Pro1147=)

Gene: CUX2 (cut like homeobox 2; plus strand). Cytogenetic location: 12q24.12.
Variant type: single nucleotide variant.
Coding change: c.3441G>A on transcript NM_015267.4 (MANE Select); coding-DNA position 3441, G replaced by A.
Protein change: p.Pro1147=; no amino-acid change (proline 1147 retained).
Molecular consequence: synonymous variant.
Genome position (GRCh38, 1-based): chr12:111,341,835, G>A. VCF-style: chr12-111341835-G-A. GRCh37 (hg19) VCF-style: chr12-111779639-G-A.
Other names: c.3255G>A, p.Pro1085= (NM_001370598.1).
Identifiers: ClinVar variation 778659 (VCV000778659.29), dbSNP rs779546333, ClinGen allele CA6789132.